The following is an entry in ClinVar:

ClinVar aggregate classification (germline): Uncertain significance (1 of 4 stars; one submission).

Allele frequency attached by ClinVar (database versions not stated): gnomAD 0.00003; TOPMed 0.00003; gnomAD exomes 0.00004.
gnomAD v4.1: 57 of 1,614,112 alleles (0.0035%); highest among the groups gnomAD compares: Non-Finnish European, 0.0047%; no homozygotes.

Submission:

Labcorp Genetics (formerly Invitae), Labcorp
Classification: Uncertain significance. Last evaluated: 2025-12-23. Review status: criteria provided, single submitter. Criteria: Invitae Variant Classification Sherloc (09022015). Collection method: clinical testing. Allele origin: germline.
Comment: This sequence change replaces serine, which is neutral and polar, with proline, which is neutral and non-polar, at codon 407 of the DBR1 protein (p.Ser407Pro). This variant is present in population databases (no rsID available, gnomAD 0.002%). This variant has not been reported in the literature in individuals affected with DBR1-related conditions. ClinVar contains an entry for this variant (Variation ID: 2152821). An algorithm developed to predict the effect of missense changes on protein structure and function (PolyPhen-2) suggests that this variant is likely to be disruptive. In summary, the available evidence is currently insufficient to determine the role of this variant in disease. Therefore, it has been classified as a Variant of Uncertain Significance.

NM_016216.4(DBR1):c.1219T>C (p.Ser407Pro)

Gene: DBR1 (debranching RNA lariats 1; minus strand). Cytogenetic location: 3q22.3.
Variant type: single nucleotide variant.
Coding change: c.1219T>C on transcript NM_016216.4 (MANE Select); coding-DNA position 1219, T replaced by C.
Protein change: p.Ser407Pro; replaces serine 407 with proline.
Molecular consequence: missense variant.
Genome position (GRCh38, 1-based): chr3:138,162,305, A>G on the plus strand (T>C on the coding strand, the complement: DBR1 is on the minus strand). VCF-style: chr3-138162305-A-G. GRCh37 (hg19) VCF-style: chr3-137881147-A-G.
Other names: short protein forms S407P.
Identifiers: ClinVar variation 2152821 (VCV002152821.2), dbSNP rs893968481, ClinGen allele CA83879629.